The following is an entry in ClinVar:

ClinVar aggregate classification (germline): Benign/Likely benign. Review status: criteria provided, multiple submitters, no conflicts (2 of 4 stars). 6 submissions from 6 submitters: Benign (4); Likely benign (2). Last evaluated 2026-02-01.

Conditions:
Autosomal recessive nonsyndromic hearing loss 3. Also called: NEUROSENSORY NONSYNDROMIC RECESSIVE DEAFNESS 3. Identifiers: Orphanet 90636, MedGen C1838263, MONDO:0010860, OMIM 600316.

Allele frequency attached by ClinVar (database versions not stated): gnomAD exomes 0.00245; ExAC 0.00355; ESP Exome Variant Server 0.00728; gnomAD 0.01041; TOPMed 0.01161; 1000 Genomes Project 0.01178; 1000 Genomes Project 30x 0.01202.

Submissions (6):

Labcorp Genetics (formerly Invitae), Labcorp
Classification: Benign. Last evaluated: 2026-02-01. Review status: criteria provided, single submitter. Criteria: Invitae Variant Classification Sherloc (09022015). Collection method: clinical testing. Allele origin: germline.

ARUP Laboratories, Molecular Genetics and Genomics, ARUP Laboratories
Classification: Benign for Autosomal recessive nonsyndromic hearing loss 3. Last evaluated: 2023-11-22. Review status: criteria provided, single submitter. Criteria: ARUP Molecular Germline Variant Investigation Process 2024. Collection method: clinical testing. Allele origin: germline.

GeneDx
Classification: Benign. Last evaluated: 2018-08-10. Review status: criteria provided, single submitter. Criteria: GeneDx Variant Classification Process June 2021. Collection method: clinical testing. Allele origin: germline. Affected: yes.

Illumina Laboratory Services, Illumina
Classification: Likely benign for Autosomal recessive nonsyndromic hearing loss 3. Last evaluated: 2018-01-13. Review status: criteria provided, single submitter. Criteria: ICSL Variant Classification Criteria 13 December 2019. Collection method: clinical testing. Allele origin: germline.
Comment: This variant was observed in the ICSL laboratory as part of a predisposition screen in an ostensibly healthy population. It had not been previously curated by ICSL or reported in the Human Gene Mutation Database (HGMD: prior to June 1st, 2018), and was therefore a candidate for classification through an automated scoring system. Utilizing variant allele frequency, disease prevalence and penetrance estimates, and inheritance mode, an automated score was calculated to assess if this variant is too frequent to cause the disease. Based on the score and internal cut-off values, a variant classified as likely benign is not then subjected to further curation. The score for this variant resulted in a classification of likely benign for this disease.

Laboratory for Molecular Medicine, Mass General Brigham Personalized Medicine
Classification: Benign. Last evaluated: 2012-05-07. Review status: criteria provided, single submitter. Criteria: LMM Criteria. Collection method: clinical testing. Allele origin: germline. Observed: 4 variant alleles.
Comment: "Ala597Ala in Exon 02 of MYO15A: This variant is not expected to have clinical s ignificance because it does not alter an amino acid residue, is not located with in the splice consensus sequence, and has been identified in 2.4% (69/2830) of A frican American chromosomes from a broad population by the NHLBI Exome Sequencin g Project (dbSNP rs114552047)."

Breakthrough Genomics
Classification: Likely benign. Review status: criteria provided, single submitter. Criteria: ACMG Guidelines, 2015. Collection method: not provided. Allele origin: germline. Inheritance: Autosomal recessive inheritance. Affected: yes.

NM_016239.4(MYO15A):c.1791G>A (p.Ala597=)

Gene: MYO15A (myosin XVA; plus strand). Cytogenetic location: 17p11.2.
Variant type: single nucleotide variant.
Coding change: c.1791G>A on transcript NM_016239.4 (MANE Select); coding-DNA position 1791, G replaced by A.
Protein change: p.Ala597=; no amino-acid change (alanine 597 retained).
Molecular consequence: synonymous variant.
Genome position (GRCh38, 1-based): chr17:18,120,591, G>A. VCF-style: chr17-18120591-G-A. GRCh37 (hg19) VCF-style: chr17-18023905-G-A.
Identifiers: ClinVar variation 322121 (VCV000322121.27), dbSNP rs114552047, ClinGen allele CA8423184.